The following is an entry in ClinVar:

NM_138386.3(NAF1):c.361G>T (p.Asp121Tyr)

Gene: NAF1 (nuclear assembly factor 1 ribonucleoprotein; minus strand). Cytogenetic location: 4q32.2.
Variant type: single nucleotide variant.
Coding change: c.361G>T on transcript NM_138386.3 (MANE Select); coding-DNA position 361, G replaced by T.
Protein change: p.Asp121Tyr; replaces aspartic acid 121 with tyrosine.
Molecular consequence: missense variant.
Genome position (GRCh38, 1-based): chr4:163,166,367, C>A on the plus strand (G>T on the coding strand, the complement: NAF1 is on the minus strand). VCF-style: chr4-163166367-C-A. GRCh37 (hg19) VCF-style: chr4-164087519-C-A.
Other names: c.361G>T (NM_138386.2); c.361G>T, p.Asp121Tyr (NM_001128931.2); short protein forms D121Y.
Identifiers: ClinVar variation 3621808 (VCV003621808.3).

ClinVar aggregate classification (germline): Uncertain significance. Review status: criteria provided, multiple submitters, no conflicts (2 of 4 stars). 2 submissions from 2 submitters: Uncertain significance (2). Last evaluated 2025-12-09.

Submissions (2):

Ambry Genetics
Classification: Uncertain significance. Last evaluated: 2025-12-09. Review status: criteria provided, single submitter. Criteria: Ambry Variant Classification Scheme 2023. Collection method: clinical testing. Allele origin: germline.

Labcorp Genetics (formerly Invitae), Labcorp
Classification: Uncertain significance. Last evaluated: 2024-04-08. Review status: criteria provided, single submitter. Criteria: Invitae Variant Classification Sherloc (09022015). Collection method: clinical testing. Allele origin: germline.
Comment: This sequence change replaces aspartic acid, which is acidic and polar, with tyrosine, which is neutral and polar, at codon 121 of the NAF1 protein (p.Asp121Tyr). This variant is not present in population databases (gnomAD no frequency). This variant has not been reported in the literature in individuals affected with NAF1-related conditions. An algorithm developed to predict the effect of missense changes on protein structure and function (PolyPhen-2) suggests that this variant is likely to be disruptive. In summary, the available evidence is currently insufficient to determine the role of this variant in disease. Therefore, it has been classified as a Variant of Uncertain Significance.